The following is an entry in ClinVar:

NM_015650.4(TRAF3IP1):c.1235A>C (p.Gln412Pro)

Gene: TRAF3IP1 (TRAF3 interacting protein 1; plus strand). Cytogenetic location: 2q37.3.
Variant type: single nucleotide variant.
Coding change: c.1235A>C on transcript NM_015650.4 (MANE Select); coding-DNA position 1235, A replaced by C.
Protein change: p.Gln412Pro; replaces glutamine 412 with proline.
Molecular consequence: missense variant. On other transcripts: intron variant (1).
Genome position (GRCh38, 1-based): chr2:238,344,572, A>C. VCF-style: chr2-238344572-A-C. GRCh37 (hg19) VCF-style: chr2-239253213-A-C.
Other names: c.1064-2883A>C (NM_001139490.1); short protein forms Q412P.
Identifiers: ClinVar variation 3628741 (VCV003628741.2).
Genomic context (GRCh38, chr2:238,344,572, plus strand): 5'-ATATTAACTCAACTAGTATTTCAGATGATAATTCAGCTAGTCTGCGGTGTGAGAATATTC[A>C]GCCCAACCCCACAGAGAAGCAGAAAGGTAAGAATGGTCCAGTTTCGCCCTTTCCTGGCGA-3'
Protein context (NP_056465.2, residues 402-422): NSASLRCENI[Gln412Pro]PNPTEKQKGD

ClinVar aggregate classification (germline): Uncertain significance (1 of 4 stars; one submission).

gnomAD v4.1: 2 of 1,614,078 alleles (0.00012%); highest among the groups gnomAD compares: Non-Finnish European, 0.00017%; no homozygotes.

Submission:

Labcorp Genetics (formerly Invitae), Labcorp
Classification: Uncertain significance. Last evaluated: 2025-04-16. Review status: criteria provided, single submitter. Criteria: Invitae Variant Classification Sherloc (09022015). Collection method: clinical testing. Allele origin: germline.
Comment: This sequence change replaces glutamine, which is neutral and polar, with proline, which is neutral and non-polar, at codon 412 of the TRAF3IP1 protein (p.Gln412Pro). This variant is present in population databases (no rsID available, gnomAD 0.0009%). This variant has not been reported in the literature in individuals affected with TRAF3IP1-related conditions. ClinVar contains an entry for this variant (Variation ID: 3628741). An algorithm developed to predict the effect of missense changes on protein structure and function (PolyPhen-2) suggests that this variant is likely to be tolerated. In summary, the available evidence is currently insufficient to determine the role of this variant in disease. Therefore, it has been classified as a Variant of Uncertain Significance.